The following is an entry in ClinVar:

ClinVar aggregate classification (germline): Likely pathogenic (1 of 4 stars; one submission).

Conditions:
Primary dilated cardiomyopathy (DCM). Also called: Dilated Cardiomyopathy. Identifiers: Orphanet 217604, MedGen C0007193, MeSH D002311, MONDO:0005021, HP:0001644. Inheritance: Various modes of inheritance.

Submission:

Laboratory for Molecular Medicine, Mass General Brigham Personalized Medicine
Classification: Likely pathogenic for Primary dilated cardiomyopathy. Last evaluated: 2018-06-18. Review status: criteria provided, single submitter. Criteria: ACMG Guidelines, 2015. Collection method: clinical testing. Allele origin: germline. Inheritance: Autosomal recessive inheritance.
Comment: The c.337-?_(*116_?)del variant in MYH7 has not been previously reported in individuals with cardiomyopathy, but has been identified in 1/32850 European chromosomes by the Exome Aggregation Consortium (ExAC). This variant is a deletion of exons 27-40 of MYH7. Of note, the exact breakpoints of this copy number loss cannot be determined with this assay and it is possible that this variant extends beyond MYH7 and includes neighboring genes. It should be noted that LOF variants in the MYH7 gene are very rare and their phenotypic consequences are not yet well-defined. Although heterozygous loss-of-function (LOF) variants in MYH7, such as this variant, are not believed to be pathogenic for dominant forms of cardiomyopathy, there is evidence that can they lead to severe and early onset disease when present in trans with a second MYH7 variant (LMM data). In summary, although additional studies are required to fully establish its clinical significance, the c.3337-?_(*116_?)del variant is likely pathogenic for cardiomyopathy in an autosomal recessive manner. ACMG/AMP Criteria applied: PVS1_Strong; PM2.

NC_000014.9:g.(?_23412738)_(23420234_?)del

Genes: MHRT (myosin heavy chain associated RNA transcript; plus strand), MIR208B (microRNA 208b; minus strand), MYH7 (myosin heavy chain 7; minus strand), LOC126861897 (BRD4-independent group 4 enhancer GRCh37_chr14:23884455-23885654; plus strand). Cytogenetic location: 14q11.2.
Variant type: Deletion.
Identifiers: ClinVar variation 3076072 (VCV003076072.1).